The following is an entry in ClinVar:

NM_006785.4(MALT1):c.190C>T (p.Arg64Cys)

Genes: MALT1 (MALT1 paracaspase; plus strand), MALT1-AS1 (MALT1 antisense RNA 1; minus strand), LOC130062586 (ATAC-STARR-seq lymphoblastoid silent region 9487; plus strand). Cytogenetic location: 18q21.32.
Variant type: single nucleotide variant.
Coding change: c.190C>T on transcript NM_006785.4 (MANE Select); coding-DNA position 190, C replaced by T.
Protein change: p.Arg64Cys; replaces arginine 64 with cysteine.
Molecular consequence: missense variant. On other transcripts: non-coding transcript variant (1).
Genome position (GRCh38, 1-based): chr18:58,671,833, C>T. VCF-style: chr18-58671833-C-T. GRCh37 (hg19) VCF-style: chr18-56339065-C-T.
Other names: c.190C>T, p.Arg64Cys (NM_173844.3); c.190C>T (NM_006785.2); short protein forms R64C.
Identifiers: ClinVar variation 1982540 (VCV001982540.5), dbSNP rs1307537473, ClinGen allele CA402571624.
Genomic context (GRCh38, chr18:58,671,833, plus strand): 5'-CTCCTGGATCAGGCGCCCGAGGGCCGGGGCTGGAGGAGACTGGCGGAGCTGGCGGGGAGT[C>T]GCGGGCGCCTCCGCCTCAGGTGAGCTCAGGGCCGCGGCAGGCCGGGCGCGCGGGTCGAGC-3'
Protein context (NP_006776.1, residues 54-74): WRRLAELAGS[Arg64Cys]GRLRLSCLDL

ClinVar aggregate classification (germline): Uncertain significance. Review status: criteria provided, multiple submitters, no conflicts (2 of 4 stars). 2 submissions from 2 submitters: Uncertain significance (2). Last evaluated 2025-02-13.

Conditions:
Inborn genetic diseases. Identifiers: MedGen C0950123, MeSH D030342.
Combined immunodeficiency due to MALT1 deficiency. Also called: Immunodeficiency 12. Identifiers: Orphanet 397964, MedGen C3809583, MONDO:0014197, OMIM 615468.

Allele frequency attached by ClinVar (database versions not stated): gnomAD 0.00001.
gnomAD v4.1: 9 of 1,229,134 alleles (0.00073%); highest among the groups gnomAD compares: Non-Finnish European, 0.00091%; no homozygotes.

Submissions (2):

Ambry Genetics
Classification: Uncertain significance for Inborn genetic diseases. Last evaluated: 2025-02-13. Review status: criteria provided, single submitter. Criteria: Ambry Variant Classification Scheme 2023. Collection method: clinical testing. Allele origin: germline.

Labcorp Genetics (formerly Invitae), Labcorp
Classification: Uncertain significance for Combined immunodeficiency due to MALT1 deficiency. Last evaluated: 2022-06-03. Review status: criteria provided, single submitter. Criteria: Invitae Variant Classification Sherloc (09022015). Collection method: clinical testing. Allele origin: germline.
Comment: Algorithms developed to predict the effect of missense changes on protein structure and function are either unavailable or do not agree on the potential impact of this missense change (SIFT: "Deleterious"; PolyPhen-2: "Possibly Damaging"; Align-GVGD: "Class C0"). In summary, the available evidence is currently insufficient to determine the role of this variant in disease. Therefore, it has been classified as a Variant of Uncertain Significance. This variant has not been reported in the literature in individuals affected with MALT1-related conditions. This variant is present in population databases (no rsID available, gnomAD 0.007%). This sequence change replaces arginine, which is basic and polar, with cysteine, which is neutral and slightly polar, at codon 64 of the MALT1 protein (p.Arg64Cys).